The following is an entry in ClinVar:

NC_000006.11:g.(?_74171578)_(74171814_?)dup

Gene: MTO1 (mitochondrial tRNA translation optimization 1; plus strand). Cytogenetic location: 6q13.
Variant type: Duplication.
Identifiers: ClinVar variation 1411708 (VCV001411708.4).

ClinVar aggregate classification (germline): Uncertain significance (1 of 4 stars; one submission).

Conditions:
Mitochondrial hypertrophic cardiomyopathy with lactic acidosis due to MTO1 deficiency. Also called: CARDIOMYOPATHY, INFANTILE HYPERTROPHIC MITOCHONDRIAL, AND LACTIC ACIDOSIS; Combined oxidative phosphorylation deficiency 10. Identifiers: Orphanet 314637, MedGen C4749921, MONDO:0013865, OMIM 614702.

Submission:

Labcorp Genetics (formerly Invitae), Labcorp
Classification: Uncertain significance for Mitochondrial hypertrophic cardiomyopathy with lactic acidosis due to MTO1 deficiency. Last evaluated: 2022-08-03. Review status: criteria provided, single submitter. Criteria: Invitae Variant Classification Sherloc (09022015). Collection method: clinical testing. Allele origin: germline.
Comment: This variant results in a copy number gain of the genomic region encompassing exon(s) 1 of the MTO1 gene. This region includes the initiator codon of the gene. This copy number gain extends beyond the assayed region for this gene and therefore may encompass additional genes. As the precise location of this event is unknown, it may be in tandem or it may be located elsewhere in the genome. This variant has not been reported in the literature in individuals affected with MTO1-related conditions. Experimental studies and prediction algorithms are not available or were not evaluated, and the functional significance of this variant is currently unknown. In summary, the available evidence is currently insufficient to determine the role of this variant in disease. Therefore, it has been classified as a Variant of Uncertain Significance.